The following is an entry in ClinVar:

ClinVar aggregate classification (germline): Uncertain significance (1 of 4 stars; one submission).

gnomAD v4.1: 22 of 1,613,276 alleles (0.0014%); highest among the groups gnomAD compares: Middle Eastern, 0.049%; no homozygotes.

Submission:

Ambry Genetics
Classification: Uncertain significance. Last evaluated: 2024-07-29. Review status: criteria provided, single submitter. Criteria: Ambry Variant Classification Scheme 2023. Collection method: clinical testing. Allele origin: germline.
Comment: The p.N263T variant (also known as c.788A>C), located in coding exon 8 of the STAP1 gene, results from an A to C substitution at nucleotide position 788. The asparagine at codon 263 is replaced by threonine, an amino acid with similar properties. This amino acid position is conserved. In addition, this alteration is predicted to be tolerated by in silico analysis. Based on the available evidence, the clinical significance of this variant remains unclear.

NM_012108.4(STAP1):c.788A>C (p.Asn263Thr)

Gene: STAP1 (signal transducing adaptor family member 1; plus strand). Cytogenetic location: 4q13.2.
Variant type: single nucleotide variant.
Coding change: c.788A>C on transcript NM_012108.4 (MANE Select); coding-DNA position 788, A replaced by C.
Protein change: p.Asn263Thr; replaces asparagine 263 with threonine.
Molecular consequence: missense variant.
Genome position (GRCh38, 1-based): chr4:67,593,318, A>C. VCF-style: chr4-67593318-A-C. GRCh37 (hg19) VCF-style: chr4-68459036-A-C.
Other names: c.788A>C, p.Asn263Thr (NM_001317769.2); short protein forms N263T.
Identifiers: ClinVar variation 3450262 (VCV003450262.1).
Genomic context (GRCh38, chr4:67,593,318, plus strand): 5'-AGGTAACACTCCCAAACCTTTTCAGTGTCATTGATTATTTTGTGAAGGAGACTCGAGGAA[A>C]TTTAAGACCATTTATATGTTCAACTGATGAAAACACTGGTATGTTTTTCACTTCATTGCT-3'
Protein context (NP_036240.1, residues 253-273): IDYFVKETRG[Asn263Thr]LRPFICSTDE